The following is an entry in ClinVar:

ClinVar aggregate classification (germline): Likely benign (0 of 4 stars; one submission).

Conditions:
PXDN-related disorder. Also called: PXDN-related condition.

Allele frequency attached by ClinVar (database versions not stated): TOPMed 0.00001; gnomAD 0.00002.
gnomAD v4.1: 53 of 1,613,836 alleles (0.0033%); highest among the groups gnomAD compares: Non-Finnish European, 0.0042%; no homozygotes.

Submission:

PreventionGenetics, part of Exact Sciences
Classification: Likely benign for PXDN-related condition. Last evaluated: 2022-07-21. Review status: no assertion criteria provided. Collection method: clinical testing. Allele origin: germline.
Comment: This variant is classified as likely benign based on ACMG/AMP sequence variant interpretation guidelines (Richards et al. 2015 PMID: 25741868, with internal and published modifications).

NM_012293.3(PXDN):c.3477C>A (p.Ile1159=)

Gene: PXDN (peroxidasin; minus strand). Cytogenetic location: 2p25.3.
Variant type: single nucleotide variant.
Coding change: c.3477C>A on transcript NM_012293.3 (MANE Select); coding-DNA position 3477, C replaced by A.
Protein change: p.Ile1159=; no amino-acid change (isoleucine 1159 retained).
Molecular consequence: synonymous variant.
Genome position (GRCh38, 1-based): chr2:1,648,303, G>T on the plus strand (C>A on the coding strand, the complement: PXDN is on the minus strand). VCF-style: chr2-1648303-G-T. GRCh37 (hg19) VCF-style: chr2-1652075-G-T.
Identifiers: ClinVar variation 3031845 (VCV003031845.2), dbSNP rs1323188578, ClinGen allele CA424757331.
Genomic context (GRCh38, chr2:1,648,303, plus strand): 5'-TAGATTGCAGTAGACCCTGTAGTCGTGGTAGGGTGGGATCCCGTGGTCCCGGCCCCGCTG[G>T]ATGTTGATGGCCGCCAGGTCCAGAGCCACCGTGTGTGCCATGGAGAACAGCCGCTCCGTG-3'
Protein context (NP_036425.1, residues 1149-1169): TVALDLAAIN[Ile1159=]QRGRDHGIPP